The following is an entry in ClinVar:

ClinVar aggregate classification (germline): Uncertain significance (1 of 4 stars; one submission).

Allele frequency attached by ClinVar (database versions not stated): gnomAD exomes below 0.00001 and 0.00001.
gnomAD v4.1: 13 of 1,594,236 alleles (0.00082%); highest among the groups gnomAD compares: Non-Finnish European, 0.0011%; no homozygotes.

Submission:

Labcorp Genetics (formerly Invitae), Labcorp
Classification: Uncertain significance. Last evaluated: 2023-11-27. Review status: criteria provided, single submitter. Criteria: Invitae Variant Classification Sherloc (09022015). Collection method: clinical testing. Allele origin: germline.
Comment: This sequence change replaces alanine, which is neutral and non-polar, with valine, which is neutral and non-polar, at codon 1368 of the CPLANE1 protein (p.Ala1368Val). This variant is present in population databases (no rsID available, gnomAD 0.0009%). This variant has not been reported in the literature in individuals affected with CPLANE1-related conditions. ClinVar contains an entry for this variant (Variation ID: 1398191). Advanced modeling of protein sequence and biophysical properties (such as structural, functional, and spatial information, amino acid conservation, physicochemical variation, residue mobility, and thermodynamic stability) performed at Invitae indicates that this missense variant is not expected to disrupt CPLANE1 protein function with a negative predictive value of 95%. In summary, the available evidence is currently insufficient to determine the role of this variant in disease. Therefore, it has been classified as a Variant of Uncertain Significance.

NM_001384732.1(CPLANE1):c.4103C>T (p.Ala1368Val)

Gene: CPLANE1 (ciliogenesis and planar polarity effector complex subunit 1; minus strand). Cytogenetic location: 5p13.2.
Variant type: single nucleotide variant.
Coding change: c.4103C>T on transcript NM_001384732.1 (MANE Select); coding-DNA position 4103, C replaced by T.
Protein change: p.Ala1368Val; replaces alanine 1368 with valine.
Molecular consequence: missense variant.
Genome position (GRCh38, 1-based): chr5:37,186,372, G>A on the plus strand (C>T on the coding strand, the complement: CPLANE1 is on the minus strand). VCF-style: chr5-37186372-G-A. GRCh37 (hg19) VCF-style: chr5-37186474-G-A.
Other names: c.4103C>T, p.Ala1368Val (NM_023073.4); short protein forms A1368V.
Identifiers: ClinVar variation 1398191 (VCV001398191.6), dbSNP rs1431507702, ClinGen allele CA359503555.
Genomic context (GRCh38, chr5:37,186,372, plus strand): 5'-TGGTGAAGAGAGTGATATTTGTCTCTTAAAGGAACCCTCACGTCCTCAGGATAGGGAAAT[G>A]CTTTCACGAAAATTTCTGCTACCTTCAGAAAAAAAATTGTTTAAGTTTTATGAGAAACAT-3'
Protein context (NP_001371661.1, residues 1358-1378): IRKVAEIFVK[Ala1368Val]FPYPEDVRVP